The following is an entry in ClinVar:

NM_000264.5(PTCH1):c.556A>G (p.Ser186Gly)

Gene: PTCH1 (patched 1; minus strand). Cytogenetic location: 9q22.32.
Variant type: single nucleotide variant.
Coding change: c.556A>G on transcript NM_000264.5 (MANE Select); coding-DNA position 556, A replaced by G.
Protein change: p.Ser186Gly; replaces serine 186 with glycine.
Molecular consequence: missense variant. On other transcripts: non-coding transcript variant (1).
Genome position (GRCh38, 1-based): chr9:95,485,713, T>C on the plus strand (A>G on the coding strand, the complement: PTCH1 is on the minus strand). VCF-style: chr9-95485713-T-C. GRCh37 (hg19) VCF-style: chr9-98247995-T-C.
Other names: c.358A>G, p.Ser120Gly (NM_001083602.3, NM_001354919.2); c.553A>G, p.Ser185Gly (NM_001083603.3); c.103A>G, p.Ser35Gly (NM_001083604.3, NM_001083605.3, NM_001083606.3 and 1 more transcripts); c.556A>G, p.Ser186Gly (NM_001354918.2); short protein forms S186G, S120G, S185G, S35G.
Identifiers: ClinVar variation 580761 (VCV000580761.13), dbSNP rs1564062769, ClinGen allele CA374116675.

ClinVar aggregate classification (germline): Uncertain significance. Review status: criteria provided, multiple submitters, no conflicts (2 of 4 stars). 2 submissions from 2 submitters: Uncertain significance (2). Last evaluated 2025-09-10.

Conditions:
Hereditary cancer-predisposing syndrome. Also called: Hereditary neoplastic syndrome; Tumor predisposition; Hereditary Cancer Syndrome; Neoplastic Syndromes, Hereditary. Identifiers: Orphanet 140162, MedGen C0027672, MeSH D009386, MONDO:0015356.
Gorlin syndrome. Also called: Basal cell nevus syndrome; Nevoid Basal Cell Carcinoma Syndrome. Identifiers: Orphanet 377, MedGen C0004779, MONDO:0007187.

Allele frequency attached by ClinVar (database versions not stated): TOPMed below 0.00001.

Submissions (2):

Ambry Genetics
Classification: Uncertain significance for Hereditary cancer-predisposing syndrome. Last evaluated: 2025-09-10. Review status: criteria provided, single submitter. Criteria: Ambry Variant Classification Scheme 2023. Collection method: clinical testing. Allele origin: germline.
Comment: The p.S186G variant (also known as c.556A>G), located in coding exon 3 of the PTCH1 gene, results from an A to G substitution at nucleotide position 556. The serine at codon 186 is replaced by glycine, an amino acid with similar properties. This amino acid position is conserved. In addition, the in silico prediction for this alteration is inconclusive. Since supporting evidence is limited at this time, the clinical significance of this alteration remains unclear.

Labcorp Genetics (formerly Invitae), Labcorp
Classification: Uncertain significance for Gorlin syndrome. Last evaluated: 2021-04-28. Review status: criteria provided, single submitter. Criteria: Invitae Variant Classification Sherloc (09022015). Collection method: clinical testing. Allele origin: germline.
Comment: This sequence change replaces serine with glycine at codon 186 of the PTCH1 protein (p.Ser186Gly). The serine residue is highly conserved and there is a small physicochemical difference between serine and glycine. This variant is not present in population databases (ExAC no frequency). This variant has not been reported in the literature in individuals with PTCH1-related disease. Algorithms developed to predict the effect of missense changes on protein structure and function are either unavailable or do not agree on the potential impact of this missense change (SIFT: "Deleterious"; PolyPhen-2: "Benign"; Align-GVGD: "Class C0"). In summary, the available evidence is currently insufficient to determine the role of this variant in disease. Therefore, it has been classified as a Variant of Uncertain Significance.